The following is an entry in ClinVar:

NM_003307.4(TRPM2):c.771+8C>A

Gene: TRPM2 (transient receptor potential cation channel subfamily M member 2; plus strand). Cytogenetic location: 21q22.3.
Variant type: single nucleotide variant.
Coding change: c.771+8C>A on transcript NM_003307.4 (MANE Select); 8 bases into the intron after coding-DNA position 771, C replaced by A.
Molecular consequence: intron variant.
Genome position (GRCh38, 1-based): chr21:44,369,351, C>A. VCF-style: chr21-44369351-C-A. GRCh37 (hg19) VCF-style: chr21-45789234-C-A.
Other names: c.771+8C>A (NM_001320350.2, NM_001320351.2).
Identifiers: ClinVar variation 737242 (VCV000737242.27), dbSNP rs199676109, ClinGen allele CA10054236.
Genomic context (GRCh38, chr21:44,369,351, plus strand): 5'-GAGTCGCCACCTGGGGCACTGTCCACCGCCGCGAGGGCCTGATCCATCCCACGGTGAGTG[C>A]GGCCCCCTAGGGAGGGGAGCCTAAGACCAGGGGTGTGGGTGAGGTCTGACTGGGCGCTGT-3'

ClinVar aggregate classification (germline): Benign/Likely benign. Review status: criteria provided, multiple submitters, no conflicts (2 of 4 stars). 2 submissions from 2 submitters: Benign (1); Likely benign (1). Last evaluated 2022-11-01.

Allele frequency attached by ClinVar (database versions not stated): ESP Exome Variant Server 0.00008; gnomAD 0.00010 and 0.00011; TOPMed 0.00011; 1000 Genomes Project 30x 0.00016; ExAC 0.00016; gnomAD exomes 0.00018; 1000 Genomes Project 0.00020.
gnomAD v4.1: 199 of 1,603,330 alleles (0.012%); highest among the groups gnomAD compares: Middle Eastern, 0.1%; no homozygotes.

Submissions (2):

CeGaT Center for Human Genetics Tuebingen
Classification: Likely benign. Last evaluated: 2022-11-01. Review status: criteria provided, single submitter. Criteria: CeGaT Center For Human Genetics Tuebingen Variant Classification Criteria Version 2. Collection method: clinical testing. Allele origin: germline. Affected: yes. Observed: 1 variant allele.
Comment: TRPM2: BP4

Labcorp Genetics (formerly Invitae), Labcorp
Classification: Benign. Last evaluated: 2018-12-19. Review status: criteria provided, single submitter. Criteria: Invitae Variant Classification Sherloc (09022015). Collection method: clinical testing. Allele origin: germline.